The following is an entry in ClinVar:

NM_000256.3(MYBPC3):c.1352-2AG[4]

Gene: MYBPC3 (myosin binding protein C3; minus strand). Cytogenetic location: 11p11.2.
Variant type: Microsatellite.
Coding change: c.1352-2AG[4] on transcript NM_000256.3 (MANE Select); four copies in a row of the 2-base unit AG starting at c.1352-2; the reference has two copies in a row; two copies, 4 bases duplicated.
Molecular consequence: splice acceptor variant.
Genome position (GRCh38, 1-based): chr11:47,342,934-47,342,937, CTCT duplicated on the plus strand (AGAG on the coding strand, the reverse complement: MYBPC3 is on the minus strand). VCF-style (leftmost placement, unchanged base first): chr11-47342933-G-GCTCT. GRCh37 (hg19) VCF-style: chr11-47364484-G-GCTCT.
Identifiers: ClinVar variation 2099155 (VCV002099155.4), dbSNP rs2495763704, ClinGen allele CA2580615695.
Genomic context (GRCh38, chr11:47,342,933, plus strand): 5'-CCACCCGCTGCCCCACCATCACCAGCTGGTCCTCCAAGGGGCGCGTGATGAGCACAGGGG[G>GCTCT]CTCTGTCCAGGCAGGGTGAGCATGAGGGTTGGCTCCCCTGAGGCCATCTCCTCCCCAGGT-3'

ClinVar aggregate classification (germline): Uncertain significance (1 of 4 stars; one submission).

Conditions:
Hypertrophic cardiomyopathy. Also called: HYPERTROPHIC MYOCARDIOPATHY. Identifiers: Orphanet 217569, MedGen C0007194, MeSH D002312, MONDO:0005045, HP:0001639.

Submission:

Labcorp Genetics (formerly Invitae), Labcorp
Classification: Uncertain significance for Hypertrophic cardiomyopathy. Last evaluated: 2022-11-01. Review status: criteria provided, single submitter. Criteria: Invitae Variant Classification Sherloc (09022015). Collection method: clinical testing. Allele origin: germline.
Comment: In summary, the available evidence is currently insufficient to determine the role of this variant in disease. Therefore, it has been classified as a Variant of Uncertain Significance. Variants that disrupt the consensus splice site are a relatively common cause of aberrant splicing (PMID: 17576681, 9536098). Algorithms developed to predict the effect of sequence changes on RNA splicing suggest that this variant may create or strengthen a splice site. This variant has not been reported in the literature in individuals affected with MYBPC3-related conditions. This variant is not present in population databases (gnomAD no frequency). This sequence change falls in intron 15 of the MYBPC3 gene. It does not directly change the encoded amino acid sequence of the MYBPC3 protein. It affects a nucleotide within the consensus splice site.

Literature cited by the submitters: PubMed 17576681; PubMed 9536098.